The following is an entry in ClinVar:

NM_005472.5(KCNE3):c.67G>C (p.Ala23Pro)

Gene: KCNE3 (potassium voltage-gated channel subfamily E regulatory subunit 3; minus strand). Cytogenetic location: 11q13.4.
Variant type: single nucleotide variant.
Coding change: c.67G>C on transcript NM_005472.5 (MANE Select); coding-DNA position 67, G replaced by C.
Protein change: p.Ala23Pro; replaces alanine 23 with proline.
Molecular consequence: missense variant.
Genome position (GRCh38, 1-based): chr11:74,457,497, C>G on the plus strand (G>C on the coding strand, the complement: KCNE3 is on the minus strand). VCF-style: chr11-74457497-C-G. GRCh37 (hg19) VCF-style: chr11-74168542-C-G.
Other names: short protein forms A23P.
Identifiers: ClinVar variation 571438 (VCV000571438.8), dbSNP rs759641427, ClinGen allele CA224975661.

ClinVar aggregate classification (germline): Uncertain significance (1 of 4 stars; one submission).

Conditions:
Brugada syndrome 6 (BRGDA6). Identifiers: Orphanet 130, MedGen C2751089, MONDO:0013145, OMIM 613119.

Allele frequency attached by ClinVar (database versions not stated): TOPMed below 0.00001; gnomAD 0.00001; gnomAD exomes 0.00002.
gnomAD v4.1: 37 of 1,614,060 alleles (0.0023%); highest among the groups gnomAD compares: Non-Finnish European, 0.0031%; no homozygotes.

Submission:

Labcorp Genetics (formerly Invitae), Labcorp
Classification: Uncertain significance for Brugada syndrome 6. Last evaluated: 2024-02-17. Review status: criteria provided, single submitter. Criteria: Invitae Variant Classification Sherloc (09022015). Collection method: clinical testing. Allele origin: germline.
Comment: This sequence change replaces alanine, which is neutral and non-polar, with proline, which is neutral and non-polar, at codon 23 of the KCNE3 protein (p.Ala23Pro). This variant is not present in population databases (gnomAD no frequency). This variant has not been reported in the literature in individuals affected with KCNE3-related conditions. ClinVar contains an entry for this variant (Variation ID: 571438). An algorithm developed to predict the effect of missense changes on protein structure and function (PolyPhen-2) suggests that this variant is likely to be tolerated. In summary, the available evidence is currently insufficient to determine the role of this variant in disease. Therefore, it has been classified as a Variant of Uncertain Significance.